The following is an entry in ClinVar:

NM_172107.4(KCNQ2):c.1754T>C (p.Leu585Pro)

Gene: KCNQ2 (potassium voltage-gated channel subfamily Q member 2; minus strand). Cytogenetic location: 20q13.33.
Variant type: single nucleotide variant.
Coding change: c.1754T>C on transcript NM_172107.4 (MANE Select); coding-DNA position 1754, T replaced by C.
Protein change: p.Leu585Pro; replaces leucine 585 with proline.
Molecular consequence: missense variant.
Genome position (GRCh38, 1-based): chr20:63,413,459, A>G on the plus strand (T>C on the coding strand, the complement: KCNQ2 is on the minus strand). VCF-style: chr20-63413459-A-G. GRCh37 (hg19) VCF-style: chr20-62044812-A-G.
Other names: c.1670T>C, p.Leu557Pro (NM_004518.6); c.1700T>C, p.Leu567Pro (NM_172106.3); c.1661T>C, p.Leu554Pro (NM_172108.5); short protein forms L557P, L567P, L585P, L554P.
Identifiers: ClinVar variation 843962 (VCV000843962.10), dbSNP rs2080185796, ClinGen allele CA409643321.
Genomic context (GRCh38, chr20:63,413,459, plus strand): 5'-GAAGCCCACCCCGTTCTTGTCCCCTGCTGGACAGGCAGGCGGGGCTCTTGCCTGGACTGC[A>G]GGCTCTTAATTCGGGACAGCATGTCCAGGTGGCCGGCTGAGTACTGCTCGATGACGTCCA-3'
Protein context (NP_742105.1, residues 575-595): HLDMLSRIKS[Leu585Pro]QSRVDQIVGR

ClinVar aggregate classification (germline): Uncertain significance (1 of 4 stars; one submission).

Conditions:
Early-infantile DEE. Also called: Ohtahara syndrome; Early infantile epileptic encephalopathy with suppression bursts; Early infantile epileptic encephalopathy. Identifiers: Orphanet 1934, MedGen C0393706, MONDO:0800491.

Submission:

Labcorp Genetics (formerly Invitae), Labcorp
Classification: Uncertain significance for Early-infantile DEE. Last evaluated: 2019-04-18. Review status: criteria provided, single submitter. Criteria: Invitae Variant Classification Sherloc (09022015). Collection method: clinical testing. Allele origin: germline.
Comment: In summary, the available evidence is currently insufficient to determine the role of this variant in disease. Therefore, it has been classified as a Variant of Uncertain Significance. This sequence change replaces leucine with proline at codon 585 of the KCNQ2 protein (p.Leu585Pro). The leucine residue is highly conserved and there is a moderate physicochemical difference between leucine and proline. This variant is not present in population databases (ExAC no frequency). This variant has not been reported in the literature in individuals with KCNQ2-related conditions. This variant has been reported to affect KCNQ2 protein function (PMID: 16597729).

Literature cited by the submitters: PubMed 16597729.